The following is an entry in ClinVar:

NM_005708.5(GPC6):c.10T>A (p.Trp4Arg)

Gene: GPC6 (glypican 6; plus strand). Cytogenetic location: 13q31.3.
Variant type: single nucleotide variant.
Coding change: c.10T>A on transcript NM_005708.5 (MANE Select); coding-DNA position 10, T replaced by A.
Protein change: p.Trp4Arg; replaces tryptophan 4 with arginine.
Molecular consequence: missense variant.
Genome position (GRCh38, 1-based): chr13:93,227,466, T>A. VCF-style: chr13-93227466-T-A. GRCh37 (hg19) VCF-style: chr13-93879719-T-A.
Other names: c.10T>A (NM_005708.4); short protein forms W4R.
Identifiers: ClinVar variation 282088 (VCV000282088.21), dbSNP rs200925249, ClinGen allele CA7016744.

ClinVar aggregate classification (germline): Likely benign. Review status: criteria provided, multiple submitters, no conflicts (2 of 4 stars). 5 submissions from 5 submitters: Likely benign (4). 1 of the submissions does not count toward it. Last evaluated 2025-10-14.

Conditions:
GPC6-related disorder. Also called: GPC6-related condition.
Autosomal recessive omodysplasia (OMOD1). Also called: MICROMELIC DYSPLASIA, CONGENITAL, WITH DISLOCATION OF RADIUS. Identifiers: Orphanet 2733, Orphanet 93329, MedGen C1850318, MONDO:0009779, OMIM 258315.

Allele frequency attached by ClinVar (database versions not stated): 1000 Genomes Project 30x 0.00078; 1000 Genomes Project 0.00080; gnomAD exomes 0.00011 and 0.00054; gnomAD 0.00021 and 0.00023; TOPMed 0.00032; ExAC 0.00058.
gnomAD v4.1: 263 of 1,613,784 alleles (0.016%); highest among the groups gnomAD compares: East Asian, 0.38%; 4 homozygotes.

Submissions (5):

Labcorp Genetics (formerly Invitae), Labcorp
Classification: Likely benign. Last evaluated: 2025-10-14. Review status: criteria provided, single submitter. Criteria: Invitae Variant Classification Sherloc (09022015). Collection method: clinical testing. Allele origin: germline.

Blueprint Genetics
Classification: Likely benign. Last evaluated: 2024-10-28. Review status: criteria provided, single submitter. Criteria: ACMG Guidelines, 2015. Collection method: clinical testing. Allele origin: germline.

Illumina Laboratory Services, Illumina
Classification: Likely benign for Autosomal recessive omodysplasia. Last evaluated: 2018-01-13. Review status: criteria provided, single submitter. Criteria: ICSL Variant Classification Criteria 13 December 2019. Collection method: clinical testing. Allele origin: germline.
Comment: This variant was observed in the ICSL laboratory as part of a predisposition screen in an ostensibly healthy population. It had not been previously curated by ICSL or reported in the Human Gene Mutation Database (HGMD: prior to June 1st, 2018), and was therefore a candidate for classification through an automated scoring system. Utilizing variant allele frequency, disease prevalence and penetrance estimates, and inheritance mode, an automated score was calculated to assess if this variant is too frequent to cause the disease. Based on the score and internal cut-off values, a variant classified as likely benign is not then subjected to further curation. The score for this variant resulted in a classification of likely benign for this disease.

Eurofins Ntd Llc (ga)
Classification: Likely benign. Last evaluated: 2015-08-19. Review status: criteria provided, single submitter. Criteria: EGL Classification Definitions 2015. Collection method: clinical testing. Allele origin: germline.

PreventionGenetics, part of Exact Sciences
Classification: Benign for GPC6-related condition. Last evaluated: 2020-05-04. Review status: no assertion criteria provided. Collection method: clinical testing. Allele origin: germline. Not counted in ClinVar's aggregate classification.
Comment: This variant is classified as benign based on ACMG/AMP sequence variant interpretation guidelines (Richards et al. 2015 PMID: 25741868, with internal and published modifications).